The following is an entry in ClinVar:

NM_017950.4(CCDC40):c.*265C>T

Gene: CCDC40 (coiled-coil domain 40 molecular ruler complex subunit; plus strand). Cytogenetic location: 17q25.3.
Variant type: single nucleotide variant.
Coding change: c.*265C>T on transcript NM_017950.4 (MANE Select); 265 bases downstream of the stop codon, C replaced by T.
Molecular consequence: 3 prime UTR variant.
Genome position (GRCh38, 1-based): chr17:80,100,040, C>T. VCF-style: chr17-80100040-C-T. GRCh37 (hg19) VCF-style: chr17-78073839-C-T.
Identifiers: ClinVar variation 325758 (VCV000325758.8), dbSNP rs74000393, ClinGen allele CA10640858.
Genomic context (GRCh38, chr17:80,100,040, plus strand): 5'-CCCATGGCATCCCATCGCAAAGACAGAGCCTGTGACTGCAGACCCACACACCCACACTCC[C>T]ACACTGGGCTTACTCGTCCAGGTAACACTTTGGTTTGCAGCACTCCCAAATCTGCACGTG-3'

ClinVar aggregate classification (germline): Benign/Likely benign. Review status: criteria provided, multiple submitters, no conflicts (2 of 4 stars). 3 submissions from 3 submitters: Benign (2); Likely benign (1). Last evaluated 2018-12-31.

Conditions:
Primary ciliary dyskinesia 15. Also called: CILIARY DYSKINESIA, PRIMARY, 15, WITH OR WITHOUT SITUS INVERSUS. Identifiers: Orphanet 244, MedGen C3151137, MONDO:0013435, OMIM 613808.

Allele frequency attached by ClinVar (database versions not stated): gnomAD exomes 0.00210; gnomAD 0.01645 and 0.01774; 1000 Genomes Project 0.01817; 1000 Genomes Project 30x 0.01921; TOPMed 0.01927.
gnomAD v4.1: 3,276 of 515,692 alleles (0.64%); highest among the groups gnomAD compares: African/African-American, 5.7%; 90 homozygotes.

Submissions (3):

GeneDx
Classification: Benign. Last evaluated: 2018-12-31. Review status: criteria provided, single submitter. Criteria: GeneDx Variant Classification Process June 2021. Collection method: clinical testing. Allele origin: germline. Affected: yes.

Illumina Laboratory Services, Illumina
Classification: Benign for Primary ciliary dyskinesia 15. Last evaluated: 2018-01-13. Review status: criteria provided, single submitter. Criteria: ICSL Variant Classification Criteria 13 December 2019. Collection method: clinical testing. Allele origin: germline.
Comment: This variant was observed in the ICSL laboratory as part of a predisposition screen in an ostensibly healthy population. It had not been previously curated by ICSL or reported in the Human Gene Mutation Database (HGMD: prior to June 1st, 2018), and was therefore a candidate for classification through an automated scoring system. Utilizing variant allele frequency, disease prevalence and penetrance estimates, and inheritance mode, an automated score was calculated to assess if this variant is too frequent to cause the disease. Based on the score and internal cut-off values, a variant classified as benign is not then subjected to further curation. The score for this variant resulted in a classification of benign for this disease.

Breakthrough Genomics
Classification: Likely benign. Review status: criteria provided, single submitter. Criteria: ACMG Guidelines, 2015. Collection method: not provided. Allele origin: germline. Inheritance: Autosomal recessive inheritance. Affected: yes.